The following is an entry in ClinVar:

NM_000092.5(COL4A4):c.4636dup (p.Ala1546fs)

Gene: COL4A4 (collagen type IV alpha 4 chain; minus strand). Cytogenetic location: 2q36.3.
Variant type: Duplication.
Coding change: c.4636dup on transcript NM_000092.5 (MANE Select); coding-DNA position 4636, one base duplicated (G; older notation c.4636dupG).
Protein change: p.Ala1546fs; shifts the reading frame from alanine 1546.
Molecular consequence: frameshift variant.
Genome position (GRCh38, 1-based): chr2:227,008,191, C duplicated on the plus strand (G on the coding strand, the reverse complement: COL4A4 is on the minus strand). VCF-style (leftmost placement, unchanged base first): chr2-227008190-G-GC. GRCh37 (hg19) VCF-style: chr2-227872906-G-GC.
Other names: short protein forms A1546fs.
Identifiers: ClinVar variation 4879815 (VCV004879815.2).
Genomic context (GRCh38, chr2:227,008,190, plus strand): 5'-CAGCGGCTGACATAGGGGCGGATCGCCTCTTCAGAGAGTGGCATCATGGGGAGGGGCGCA[G>GC]CGCTGGCCAGCCAGTAGGATCTGTCGTTTCTCTGGGCATAGTGGCACACCTGGTGGATGT-3'

ClinVar aggregate classification (germline): Pathogenic/Likely pathogenic. Review status: criteria provided, multiple submitters, no conflicts (2 of 4 stars). 2 submissions from 2 submitters: Pathogenic (1); Likely pathogenic (1). Last evaluated 2026-05-12.

Conditions:
COL4A4-related disorder.
Alport syndrome. Also called: Congenital hereditary hematuria; Hemorrhagic familial nephritis; Hemorrhagic hereditary nephritis. Identifiers: Orphanet 63, MedGen C1567741, MONDO:0018965.

Submissions (2):

Victorian Clinical Genetics Services, Murdoch Childrens Research Institute
Classification: Pathogenic for Alport syndrome. Last evaluated: 2026-05-12. Review status: criteria provided, single submitter. Criteria: ACMG Guidelines, 2015. Collection method: clinical testing. Allele origin: germline. Affected: yes.
Comment: This variant is classified as Pathogenic. Evidence in support of pathogenic classification: Variant is predicted to cause nonsense-mediated decay (NMD) and loss of protein (premature termination codon is located at least 54 nucleotides upstream of the final exon-exon junction); Variant is absent from gnomAD (v2, v3 and v4); Other NMD-predicted variant(s) comparable to the one identified in this case have very strong previous evidence for pathogenicity (DECIPHER). Additional information: This variant is heterozygous; This gene is associated with both recessive and dominant Alport syndrome (MONDO:0018965), COL4A4-related; Loss of function is a known mechanism of disease for this gene and is associated with Alport syndrome (MONDO:0018965), COL4A4-related. Dominant negative is a suspected mechanism of disease for glycine changes that are part of a Gly-X-Y repeat in the triple helix of a collagen domain (PMIDs: 12028435, 24046192, 38214412); Inheritance information for this variant is not currently available in this individual.

Blueprint Genetics
Classification: Likely pathogenic for COL4A4-related disorders. Last evaluated: 2019-06-20. Review status: criteria provided, single submitter. Criteria: ACMG Guidelines, 2015. Collection method: clinical testing. Allele origin: germline. Affected: yes. Observed: 2 variant alleles.

Literature cited by the submitters: PubMed 38214412 (cited by Victorian Clinical Genetics Services, Murdoch Childrens Research Institute); PubMed 12028435 (cited by Victorian Clinical Genetics Services, Murdoch Childrens Research Institute); PubMed 24046192 (cited by Victorian Clinical Genetics Services, Murdoch Childrens Research Institute).